The following is an entry in ClinVar:

NM_004407.4(DMP1):c.*607A>G

Genes: DMP1-AS1 (DMP1 and DSPP antisense RNA 1; minus strand), DMP1 (dentin matrix acidic phosphoprotein 1; plus strand). Cytogenetic location: 4q22.1.
Variant type: single nucleotide variant.
Coding change: c.*607A>G on transcript NM_004407.4 (MANE Select); 607 bases downstream of the stop codon, A replaced by G.
Molecular consequence: 3 prime UTR variant.
Genome position (GRCh38, 1-based): chr4:87,663,927, A>G. VCF-style: chr4-87663927-A-G. GRCh37 (hg19) VCF-style: chr4-88585079-A-G.
Other names: c.*607A>G (NM_001079911.3).
Identifiers: ClinVar variation 349998 (VCV000349998.6), dbSNP rs2627725, ClinGen allele CA10621920.

ClinVar aggregate classification (germline): Benign. Review status: criteria provided, multiple submitters, no conflicts (2 of 4 stars). 2 submissions from 2 submitters: Benign (2). Last evaluated 2018-01-13.

Conditions:
Hypophosphatemic rickets, autosomal recessive, 1 (ARHR1). Also called: HYPOPHOSPHATEMIA, AUTOSOMAL RECESSIVE. Identifiers: Orphanet 289176, MedGen C4551495, MONDO:0009430, OMIM 241520. Disease mechanism: loss of function.

Allele frequency attached by ClinVar (database versions not stated): gnomAD exomes 0.49229; gnomAD 0.60839 and 0.61047; TOPMed 0.61184; 1000 Genomes Project 0.66613; 1000 Genomes Project 30x 0.67099.
gnomAD v4.1: 93,113 of 153,692 alleles (61%); highest among the groups gnomAD compares: African/African-American, 81%; 29,768 homozygotes.

Submissions (2):

Illumina Laboratory Services, Illumina
Classification: Benign for Hypophosphatemic rickets, autosomal recessive, 1. Last evaluated: 2018-01-13. Review status: criteria provided, single submitter. Criteria: ICSL Variant Classification Criteria 13 December 2019. Collection method: clinical testing. Allele origin: germline.
Comment: This variant was observed in the ICSL laboratory as part of a predisposition screen in an ostensibly healthy population. It had not been previously curated by ICSL or reported in the Human Gene Mutation Database (HGMD: prior to June 1st, 2018), and was therefore a candidate for classification through an automated scoring system. Utilizing variant allele frequency, disease prevalence and penetrance estimates, and inheritance mode, an automated score was calculated to assess if this variant is too frequent to cause the disease. Based on the score and internal cut-off values, a variant classified as benign is not then subjected to further curation. The score for this variant resulted in a classification of benign for this disease.

Breakthrough Genomics
Classification: Benign. Review status: criteria provided, single submitter. Criteria: ACMG Guidelines, 2015. Collection method: not provided. Allele origin: germline. Inheritance: Autosomal recessive inheritance. Affected: yes.